The following is an entry in ClinVar:

NM_006796.3(AFG3L2):c.2067_2068del (p.Tyr689_Ser690delinsTer)

Gene: AFG3L2 (AFG3 like matrix AAA peptidase subunit 2; minus strand). Cytogenetic location: 18p11.21.
Variant type: Deletion.
Coding change: c.2067_2068del on transcript NM_006796.3 (MANE Select); coding-DNA positions 2067 to 2068, 2 bases deleted (CA; older notation c.2067_2068delCA).
Protein change: p.Tyr689_Ser690delinsTer.
Molecular consequence: nonsense.
Genome position (GRCh38, 1-based): chr18:12,337,448-12,337,449, TG deleted on the plus strand (CA on the coding strand, the reverse complement: AFG3L2 is on the minus strand); deleting any 2 consecutive bases within chr18:12,337,448-12,337,450 gives the same sequence; the c. name uses the placement nearest the transcript's 3' end. VCF-style (leftmost placement, unchanged base first): chr18-12337447-CTG-C. GRCh37 (hg19) VCF-style: chr18-12337446-CTG-C.
Other names: c.2067_2068delCA (NM_006796.2).
Identifiers: ClinVar variation 214059 (VCV000214059.2), dbSNP rs765987297, ClinGen allele CA319815.

ClinVar aggregate classification (germline): Pathogenic. Review status: criteria provided, single submitter (1 of 4 stars). 2 submissions from 2 submitters: Pathogenic (1). 1 of the submissions does not count toward it. Last evaluated 2014-06-30.

Conditions:
Spinocerebellar ataxia type 28 (SCA28). Also called: Spinocerebellar Ataxia Type 28 (SCA28). Identifiers: Orphanet 101109, MedGen C1853249, MONDO:0012450, OMIM 610246.

Submissions (2):

GeneDx
Classification: Pathogenic. Last evaluated: 2014-06-30. Review status: criteria provided, single submitter. Criteria: GeneDx Variant Classification (06012015). Collection method: clinical testing. Allele origin: germline. Affected: yes.
Comment: c.2067_2068delCA: p.Tyr689Stop in exon 16 in the AFG3L2 gene (NM_006796.2). The normal sequence with the base(s) that are deleted in braces is: CTTA{CA}GTGA. The c.2067_2068delCA mutation in the AFG3L2 gene has not been reported previously as a disease-causing mutation nor as a benign polymorphism, to our knowledge. The c.2067_2068delCA mutation causes a frameshift starting with codon Tyrosine 689 and changes this amino acid to a Stop codon, denoted p.Tyr689Stop. This mutation is predicted to cause loss of normal protein function either through protein truncation or nonsense-mediated mRNA decay. The c.2067_2068delCA mutation was not observed in approximately 6500 individuals of European and African American ancestry in the NHLBI Exome Sequencing Project, indicating it is not a common benign variant in these populations. We interpret c.2067_2068delCA as a disease-causing mutation. The variant is found in AFG3L2 panel(s).

Solve-RD Consortium
Classification: Likely pathogenic for Spinocerebellar ataxia type 28. Last evaluated: 2022-06-01. Review status: no assertion criteria provided. Collection method: provider interpretation. Allele origin: inherited. Affected: yes. Not counted in ClinVar's aggregate classification.
Comment: Variant confirmed as disease-causing by referring clinical team

Variant identified during reanalysis of unsolved cases by the Solve-RD project. The Solve-RD project has received funding from the European Union’s Horizon 2020 research and innovation programme under grant agreement No 779257.

Literature cited by the submitters: PubMed 39825153 (cited by Solve-RD Consortium).